The following is an entry in ClinVar:

ClinVar aggregate classification (germline): Uncertain significance (1 of 4 stars; one submission).

Conditions:
Menkes kinky-hair syndrome (MNK). Also called: Copper transport disease; Classic Menkes Disease; Menkes Disease. Identifiers: Orphanet 565, MedGen C0022716, MONDO:0010651, OMIM 309400.
Cutis laxa, X-linked (OHS). Also called: EDS IX; Occipital horn syndrome. Identifiers: Orphanet 198, MedGen C0268353, MONDO:0010572, OMIM 304150.
X-linked distal spinal muscular atrophy type 3. Also called: SPINAL MUSCULAR ATROPHY, DISTAL, X-LINKED RECESSIVE; ATP7A-Related Distal Motor Neuropathy; NEURONOPATHY, DISTAL HEREDITARY MOTOR, X-LINKED; NEUROPATHY, DISTAL HEREDITARY MOTOR, X-LINKED. Identifiers: Orphanet 139557, MedGen C1845359, MONDO:0010338, OMIM 300489.

Submission:

Labcorp Genetics (formerly Invitae), Labcorp
Classification: Uncertain significance for X-linked distal spinal muscular atrophy type 3; Cutis laxa, X-linked; Menkes kinky-hair syndrome. Last evaluated: 2019-03-13. Review status: criteria provided, single submitter. Criteria: Invitae Variant Classification Sherloc (09022015). Collection method: clinical testing. Allele origin: germline.
Comment: This sequence change falls in intron 8 of the ATP7A gene. It does not directly change the encoded amino acid sequence of the ATP7A protein, but it affects a nucleotide within the consensus splice site of the intron. This variant is not present in population databases (ExAC no frequency). This variant has been observed in an individual with Menkes disease (Invitae). Nucleotide substitutions within the consensus splice site are a relatively common cause of aberrant splicing (PMID: 17576681, 9536098). Algorithms developed to predict the effect of sequence changes on RNA splicing suggest that this variant may disrupt the consensus splice site, but this prediction has not been confirmed by published transcriptional studies. In summary, the available evidence is currently insufficient to determine the role of this variant in disease. Therefore, it has been classified as a Variant of Uncertain Significance.

Literature cited by the submitters: PubMed 17576681; PubMed 9536098.

NM_000052.7(ATP7A):c.1945_1946+2dup

Gene: ATP7A (ATPase copper transporting alpha; plus strand). Cytogenetic location: Xq21.1.
Variant type: Duplication.
Coding change: c.1945_1946+2dup on transcript NM_000052.7 (MANE Select); coding-DNA position 1945 through the canonical splice donor site of the intron after coding-DNA position 1946, 4 bases duplicated (CAGT; older notation c.1945_1946+2dupCAGT).
Molecular consequence: splice donor variant.
Genome position (GRCh38, 1-based): chrX:78,011,251-78,011,254, CAGT duplicated. VCF-style (leftmost placement, unchanged base first): chrX-78011250-A-ACAGT. GRCh37 (hg19) VCF-style: chrX-77266747-A-ACAGT.
Other names: c.1945_1946+2dup (NM_001282224.2).
Identifiers: ClinVar variation 844443 (VCV000844443.10), dbSNP rs2077822992, ClinGen allele CA916083972.
Genomic context (GRCh38, chrX:78,011,250, plus strand): 5'-AGCTTCTTTGGTCAAGAAGGATCGGTCAGCAAGTCACTTAGATCATAAACGAGAAATAAG[A>ACAGT]CAGTAAGTACTTTGGAGTGTCAGTAAAAAACAGATTTTGACTCCTTATTACAAATTTTTT-3'